The following is an entry in ClinVar:

NM_004562.3(PRKN):c.*2187C>T

Gene: PRKN (parkin RBR E3 ubiquitin protein ligase; minus strand). Cytogenetic location: 6q26.
Variant type: single nucleotide variant.
Coding change: c.*2187C>T on transcript NM_004562.3 (MANE Select); 2187 bases downstream of the stop codon, C replaced by T.
Molecular consequence: 3 prime UTR variant.
Genome position (GRCh38, 1-based): chr6:161,347,912, G>A on the plus strand (C>T on the coding strand, the complement: PRKN is on the minus strand). VCF-style: chr6-161347912-G-A. GRCh37 (hg19) VCF-style: chr6-161768944-G-A.
Other names: c.*2187C>T (NM_013987.3, NM_013988.3).
Identifiers: ClinVar variation 907099 (VCV000907099.4), dbSNP rs116309008, ClinGen allele CA151429257.

ClinVar aggregate classification (germline): Likely benign (1 of 4 stars; one submission).

Conditions:
Autosomal recessive juvenile Parkinson disease 2. Also called: Parkinson disease autosomal recessive, early onset; Juvenile parkinsonism; Parkinsonism, early onset, with diurnal fluctuation; PARKINSON DISEASE, JUVENILE, AUTOSOMAL RECESSIVE; Parkinson disease, juvenile, type 2; PRKN-Related Early-Onset Parkinson Disease. Identifiers: Orphanet 2828, MedGen C1868675, MONDO:0010820, OMIM 600116.

Allele frequency attached by ClinVar (database versions not stated): gnomAD exomes 0.00053; gnomAD 0.00678 and 0.00713; TOPMed 0.00733; 1000 Genomes Project 30x 0.00796; 1000 Genomes Project 0.00799.
gnomAD v4.1: 1,024 of 162,120 alleles (0.63%); highest among the groups gnomAD compares: African/African-American, 2.3%; 9 homozygotes.

Submission:

Illumina Laboratory Services, Illumina
Classification: Likely benign for Autosomal recessive juvenile Parkinson disease 2. Last evaluated: 2018-01-13. Review status: criteria provided, single submitter. Criteria: ICSL Variant Classification Criteria 13 December 2019. Collection method: clinical testing. Allele origin: germline.
Comment: This variant was observed in the ICSL laboratory as part of a predisposition screen in an ostensibly healthy population. It had not been previously curated by ICSL or reported in the Human Gene Mutation Database (HGMD: prior to June 1st, 2018), and was therefore a candidate for classification through an automated scoring system. Utilizing variant allele frequency, disease prevalence and penetrance estimates, and inheritance mode, an automated score was calculated to assess if this variant is too frequent to cause the disease. Based on the score and internal cut-off values, a variant classified as likely benign is not then subjected to further curation. The score for this variant resulted in a classification of likely benign for this disease.